The following is an entry in ClinVar:

ClinVar aggregate classification (germline): Likely pathogenic. Review status: criteria provided, multiple submitters, no conflicts (2 of 4 stars). 2 submissions from 2 submitters: Likely pathogenic (2). Last evaluated 2025-01-07.

Conditions:
Mowat-Wilson syndrome (MOWS). Also called: Classic Mowat-Wilson Syndrome. Identifiers: Orphanet 2152, MedGen C1856113, MONDO:0009341, OMIM 235730.

Submissions (2):

GeneDx
Classification: Likely pathogenic. Last evaluated: 2025-01-07. Review status: criteria provided, single submitter. Criteria: GeneDx Variant Classification Process June 2021. Collection method: clinical testing. Allele origin: germline. Affected: yes.
Comment: Published functional studies demonstrate a damaging effect, specifically the inability to repress E-cadherin and a complete loss of DNA-binding capability (PMID: 23466526); Not observed at significant frequency in large population cohorts (gnomAD); In silico analysis supports that this missense variant has a deleterious effect on protein structure/function; This variant is associated with the following publications: (PMID: 38474085, 23466526)

HudsonAlpha Institute for Biotechnology
Classification: Likely pathogenic for Mowat-Wilson syndrome. Last evaluated: 2017-06-08. Review status: criteria provided, single submitter. Criteria: HA_assertions_20161101. Collection method: research. Allele origin: unknown. Affected: yes. Observed: 1 variant allele. Study: CSER-HudsonAlpha.

NM_014795.4(ZEB2):c.3164A>G (p.Tyr1055Cys)

Gene: ZEB2 (zinc finger E-box binding homeobox 2; minus strand). Cytogenetic location: 2q22.3.
Variant type: single nucleotide variant.
Coding change: c.3164A>G on transcript NM_014795.4 (MANE Select); coding-DNA position 3164, A replaced by G.
Protein change: p.Tyr1055Cys; replaces tyrosine 1055 with cysteine.
Molecular consequence: missense variant.
Genome position (GRCh38, 1-based): chr2:144,389,932, T>C on the plus strand (A>G on the coding strand, the complement: ZEB2 is on the minus strand). VCF-style: chr2-144389932-T-C. GRCh37 (hg19) VCF-style: chr2-145147499-T-C.
Other names: c.3092A>G, p.Tyr1031Cys (NM_001171653.2); c.3164A>G (NM_014795.3); short protein forms Y1055C, Y1031C.
Identifiers: ClinVar variation 431481 (VCV000431481.2), dbSNP rs1135402759, ClinGen allele CA348700756.